The following is an entry in ClinVar:

ClinVar aggregate classification (germline): Uncertain significance (1 of 4 stars; one submission).

Allele frequency attached by ClinVar (database versions not stated): gnomAD exomes below 0.00001.
gnomAD v4.1: 2 of 1,613,132 alleles (0.00012%); highest among the groups gnomAD compares: Middle Eastern, 0.033%; no homozygotes.

Submission:

GeneDx
Classification: Uncertain significance. Last evaluated: 2020-02-07. Review status: criteria provided, single submitter. Criteria: GeneDx Variant Classification Process June 2021. Collection method: clinical testing. Allele origin: germline. Affected: yes.
Comment: Not observed in large population cohorts (Lek et al., 2016); In silico analysis supports that this missense variant does not alter protein structure/function; Has not been previously published as pathogenic or benign to our knowledge

NM_213599.3(ANO5):c.679G>A (p.Gly227Ser)

Gene: ANO5 (anoctamin 5; plus strand). Cytogenetic location: 11p14.3.
Variant type: single nucleotide variant.
Coding change: c.679G>A on transcript NM_213599.3 (MANE Select); coding-DNA position 679, G replaced by A.
Protein change: p.Gly227Ser; replaces glycine 227 with serine.
Molecular consequence: missense variant.
Genome position (GRCh38, 1-based): chr11:22,236,193, G>A. VCF-style: chr11-22236193-G-A. GRCh37 (hg19) VCF-style: chr11-22257739-G-A.
Other names: c.676G>A, p.Gly226Ser (NM_001142649.2); short protein forms G226S, G227S.
Identifiers: ClinVar variation 1315253 (VCV001315253.2), dbSNP rs867578091, ClinGen allele CA218741182.